The following is an entry in ClinVar:

NM_001360.3(DHCR7):c.478G>T (p.Ala160Ser)

Gene: DHCR7 (7-dehydrocholesterol reductase; minus strand). Cytogenetic location: 11q13.4.
Variant type: single nucleotide variant.
Coding change: c.478G>T on transcript NM_001360.3 (MANE Select); coding-DNA position 478, G replaced by T.
Protein change: p.Ala160Ser; replaces alanine 160 with serine.
Molecular consequence: missense variant.
Genome position (GRCh38, 1-based): chr11:71,441,375, C>A on the plus strand (G>T on the coding strand, the complement: DHCR7 is on the minus strand). VCF-style: chr11-71441375-C-A. GRCh37 (hg19) VCF-style: chr11-71152421-C-A.
Other names: c.478G>T, p.Ala160Ser (NM_001163817.2); short protein forms A160S.
Identifiers: ClinVar variation 1312998 (VCV001312998.2), dbSNP rs1364850343, ClinGen allele CA381694594.

ClinVar aggregate classification (germline): Uncertain significance (1 of 4 stars; one submission).

gnomAD v4.1: 5 of 1,614,230 alleles (0.00031%); highest among the groups gnomAD compares: Non-Finnish European, 0.00042%; no homozygotes.

Submission:

GeneDx
Classification: Uncertain significance. Last evaluated: 2020-01-22. Review status: criteria provided, single submitter. Criteria: GeneDx Variant Classification Process June 2021. Collection method: clinical testing. Allele origin: germline. Affected: yes.
Comment: Not observed in large population cohorts (Lek et al., 2016); The majority of missense variants in this gene are considered pathogenic (Stenson et al., 2014); In silico analysis, which includes protein predictors and evolutionary conservation, supports that this variant does not alter protein structure/function; Has not been previously published as pathogenic or benign to our knowledge